The following is an entry in ClinVar:

NM_000489.6(ATRX):c.2243C>G (p.Ser748Cys)

Gene: ATRX (ATRX chromatin remodeler; minus strand). Cytogenetic location: Xq21.1.
Variant type: single nucleotide variant.
Coding change: c.2243C>G on transcript NM_000489.6 (MANE Select); coding-DNA position 2243, C replaced by G.
Protein change: p.Ser748Cys; replaces serine 748 with cysteine.
Molecular consequence: missense variant.
Genome position (GRCh38, 1-based): chrX:77,683,013, G>C on the plus strand (C>G on the coding strand, the complement: ATRX is on the minus strand). VCF-style: chrX-77683013-G-C. GRCh37 (hg19) VCF-style: chrX-76938505-G-C.
Other names: c.2129C>G, p.Ser710Cys (NM_138270.5); short protein forms S710C, S748C.
Identifiers: ClinVar variation 2819366 (VCV002819366.3), dbSNP rs2519950789, ClinGen allele CA413712867.

ClinVar aggregate classification (germline): Uncertain significance (1 of 4 stars; one submission).

Conditions:
Alpha thalassemia-X-linked intellectual disability syndrome (ATRX). Also called: ALPHA-THALASSEMIA/MENTAL RETARDATION SYNDROME, X-LINKED; ATR, NONDELETION TYPE; ATR-X syndrome; Alpha thalassemia mental retardation syndrome, nondeletion type, X-linked; XLMR hypotonic face syndrome; X-linked alpha-thalassemia-mental retardation syndrome. Identifiers: Orphanet 847, MedGen C1845055, MONDO:0010519, OMIM 301040.

Allele frequency attached by ClinVar (database versions not stated): gnomAD exomes below 0.00001.
gnomAD v4.1: 1 of 1,210,484 alleles (0.000083%); highest among the groups gnomAD compares: Non-Finnish European, 0.00011%; no homozygotes.

Submission:

Labcorp Genetics (formerly Invitae), Labcorp
Classification: Uncertain significance for Alpha thalassemia-X-linked intellectual disability syndrome. Last evaluated: 2022-12-08. Review status: criteria provided, single submitter. Criteria: Invitae Variant Classification Sherloc (09022015). Collection method: clinical testing. Allele origin: germline.
Comment: Advanced modeling of protein sequence and biophysical properties (such as structural, functional, and spatial information, amino acid conservation, physicochemical variation, residue mobility, and thermodynamic stability) performed at Invitae indicates that this missense variant is not expected to disrupt ATRX protein function. This sequence change replaces serine, which is neutral and polar, with cysteine, which is neutral and slightly polar, at codon 748 of the ATRX protein (p.Ser748Cys). This variant is not present in population databases (gnomAD no frequency). This variant has not been reported in the literature in individuals affected with ATRX-related conditions. In summary, the available evidence is currently insufficient to determine the role of this variant in disease. Therefore, it has been classified as a Variant of Uncertain Significance.